The following is an entry in ClinVar:

NM_015409.5(EP400):c.7844A>G (p.Asn2615Ser)

Gene: EP400 (E1A binding protein p400; plus strand). Cytogenetic location: 12q24.33.
Variant type: single nucleotide variant.
Coding change: c.7844A>G on transcript NM_015409.5 (MANE Select); coding-DNA position 7844, A replaced by G.
Protein change: p.Asn2615Ser; replaces asparagine 2615 with serine.
Molecular consequence: missense variant.
Genome position (GRCh38, 1-based): chr12:132,055,168, A>G. VCF-style: chr12-132055168-A-G. GRCh37 (hg19) VCF-style: chr12-132539713-A-G.
Other names: short protein forms N2615S.
Identifiers: ClinVar variation 3345359 (VCV003345359.1).

ClinVar aggregate classification (germline): Uncertain significance (0 of 4 stars; one submission).

Conditions:
EP400-related disorder. Also called: EP400-related condition.

Submission:

PreventionGenetics, part of Exact Sciences
Classification: Uncertain significance for EP400-related condition. Last evaluated: 2024-08-06. Review status: no assertion criteria provided. Collection method: clinical testing. Allele origin: germline.
Comment: The EP400 c.7844A>G variant is predicted to result in the amino acid substitution p.Asn2615Ser. To our knowledge, this variant has not been reported in the literature or in a large population database, indicating this variant is rare. At this time, the clinical significance of this variant is uncertain due to the absence of conclusive functional and genetic evidence.